The following is an entry in ClinVar:

ClinVar aggregate classification (germline): Likely pathogenic (1 of 4 stars; one submission).

Submission:

GeneDx
Classification: Likely pathogenic. Last evaluated: 2023-06-11. Review status: criteria provided, single submitter. Criteria: GeneDx Variant Classification Process June 2021. Collection method: clinical testing. Allele origin: germline. Affected: yes.
Comment: In silico analysis supports that this missense variant has a deleterious effect on protein structure/function; Not observed at significant frequency in large population cohorts (gnomAD); This variant is associated with the following publications: (PMID: 9399950, 9058718, 33712943, 15687233)

NM_000206.3(IL2RG):c.664C>A (p.Arg222Ser)

Gene: IL2RG (interleukin 2 receptor subunit gamma; minus strand). Cytogenetic location: Xq13.1.
Variant type: single nucleotide variant.
Coding change: c.664C>A on transcript NM_000206.3 (MANE Select); coding-DNA position 664, C replaced by A.
Protein change: p.Arg222Ser; replaces arginine 222 with serine.
Molecular consequence: missense variant.
Genome position (GRCh38, 1-based): chrX:71,109,321, G>T on the plus strand (C>A on the coding strand, the complement: IL2RG is on the minus strand). VCF-style: chrX-71109321-G-T. GRCh37 (hg19) VCF-style: chrX-70329171-G-T.
Other names: short protein forms R222S.
Identifiers: ClinVar variation 2504922 (VCV002504922.1), dbSNP rs111033618, ClinGen allele CA413496014.
Genomic context (GRCh38, chrX:71,109,321, plus strand): 5'-GGCTCCATTCACTCCAATGCTGAGCACTTCCACAGAGTGGGTTAAAGCGGCTCCGAACAC[G>T]AAACGTGTAGCGTTTCTGCCCATCCACACTAGGCAAGGAGAACTTATGTCTATAATCCAC-3'
Protein context (NP_000197.1, residues 212-232): SVDGQKRYTF[Arg222Ser]VRSRFNPLCG